The following is an entry in ClinVar:

NM_005682.7(ADGRG1):c.-153-2381C>T

Gene: ADGRG1 (adhesion G protein-coupled receptor G1; plus strand). Cytogenetic location: 16q21.
Variant type: single nucleotide variant.
Coding change: c.-153-2381C>T on transcript NM_005682.7; 2381 bases into the intron before 153 bases upstream of the start codon, C replaced by T.
Genome position (GRCh38, 1-based): chr16:57,639,210, C>T. VCF-style: chr16-57639210-C-T. GRCh37 (hg19) VCF-style: chr16-57673122-C-T.
Other names: c.-157-2377C>T (NM_001370440.1, NM_001370431.1, NM_001370437.1 and 1 more transcripts); c.-153-2381C>T (NM_001370428.1, NM_001370436.1, NM_001290142.2 and 5 more transcripts); c.-635-2381C>T (NM_001370451.1); c.-35-11043C>T (NM_001370430.1, NM_001370438.1, NM_001370435.1 and 4 more transcripts); c.-517-11043C>T (NM_001290143.2); c.-719-2381C>T (NM_001370453.1); c.-36+10408C>T (NM_001145773.3, NM_001370429.1, NM_201525.4); c.-532-2381C>T (NM_001370454.1).
Identifiers: ClinVar variation 679870 (VCV000679870.3), dbSNP rs7187902, ClinGen allele CA14283795.

ClinVar aggregate classification (germline): Benign. Review status: criteria provided, multiple submitters, no conflicts (2 of 4 stars). 2 submissions from 2 submitters: Benign (2). Last evaluated 2018-06-19.

Allele frequency attached by ClinVar (database versions not stated): 1000 Genomes Project 0.19349; 1000 Genomes Project 30x 0.19613; TOPMed 0.22733; gnomAD 0.23388 and 0.23944.
gnomAD v4.1: 227,384 of 963,732 alleles (24%); highest among the groups gnomAD compares: African/African-American, 26%; 27,103 homozygotes.

Submissions (2):

GeneDx
Classification: Benign. Last evaluated: 2018-06-19. Review status: criteria provided, single submitter. Criteria: GeneDx Variant Classification (06012015). Collection method: clinical testing. Allele origin: germline. Affected: yes.
Comment: This variant is considered likely benign or benign based on one or more of the following criteria: it is a conservative change, it occurs at a poorly conserved position in the protein, it is predicted to be benign by multiple in silico algorithms, and/or has population frequency not consistent with disease.

Breakthrough Genomics
Classification: Benign. Review status: criteria provided, single submitter. Criteria: ACMG Guidelines, 2015. Collection method: not provided. Allele origin: germline. Inheritance: Autosomal recessive inheritance. Affected: yes.